The following is an entry in ClinVar:

ClinVar aggregate classification (germline): Uncertain significance (1 of 4 stars; one submission).

Conditions:
Familial thoracic aortic aneurysm and aortic dissection (TAAD). Also called: Thoracic aortic aneurysms and dissections. Identifiers: Orphanet 91387, MedGen C4707243, MONDO:0019625.

gnomAD v4.1: 2 of 1,614,168 alleles (0.00012%); highest among the groups gnomAD compares: Non-Finnish European, 0.00017%; no homozygotes.

Submission:

Ambry Genetics
Classification: Uncertain significance for Familial thoracic aortic aneurysm and aortic dissection. Last evaluated: 2025-02-13. Review status: criteria provided, single submitter. Criteria: Ambry Variant Classification Scheme 2023. Collection method: clinical testing. Allele origin: germline.
Comment: The p.Y185H variant (also known as c.553T>C), located in coding exon 3 of the TGFB3 gene, results from a T to C substitution at nucleotide position 553. The tyrosine at codon 185 is replaced by histidine, an amino acid with similar properties. This amino acid position is conserved. In addition, this alteration is predicted to be deleterious by in silico analysis. Based on the available evidence, the clinical significance of this variant remains unclear.

NM_003239.5(TGFB3):c.553T>C (p.Tyr185His)

Gene: TGFB3 (transforming growth factor beta 3; minus strand). Cytogenetic location: 14q24.3.
Variant type: single nucleotide variant.
Coding change: c.553T>C on transcript NM_003239.5 (MANE Select); coding-DNA position 553, T replaced by C.
Protein change: p.Tyr185His; replaces tyrosine 185 with histidine.
Molecular consequence: missense variant.
Genome position (GRCh38, 1-based): chr14:75,971,219, A>G on the plus strand (T>C on the coding strand, the complement: TGFB3 is on the minus strand). VCF-style: chr14-75971219-A-G. GRCh37 (hg19) VCF-style: chr14-76437562-A-G.
Other names: c.553T>C, p.Tyr185His (NM_001329938.2, NM_001329939.2); short protein forms Y185H.
Identifiers: ClinVar variation 3806409 (VCV003806409.1).